The following is an entry in ClinVar:

ClinVar aggregate classification (germline): Pathogenic/Likely pathogenic. Review status: criteria provided, multiple submitters, no conflicts (2 of 4 stars). 2 submissions from 2 submitters: Pathogenic (1); Likely pathogenic (1). Last evaluated 2022-04-01.

Conditions:
Acromicric dysplasia (ACMICD). Also called: Acromicric skeletal dysplasia. Identifiers: Orphanet 969, MedGen C0265287, MONDO:0007055, OMIM 102370.

Submissions (2):

Laboratory of Inherited Metabolic Diseases, Research centre for medical genetics
Classification: Pathogenic for Acromicric dysplasia. Last evaluated: 2022-04-01. Review status: criteria provided, single submitter. Criteria: ACMG Guidelines, 2015. Collection method: clinical testing. Allele origin: de novo. Affected: yes. Observed: 1 variant allele.

GeneDx
Classification: Likely pathogenic. Last evaluated: 2017-03-29. Review status: criteria provided, single submitter. Criteria: GeneDx Variant Classification (06012015). Collection method: clinical testing. Allele origin: germline. Affected: yes.
Comment: The G1726D variant in the FBN1 gene has not been reported previously as a pathogenic variant, nor as a benign variant, to our knowledge. The G1726D variant is not observed in large population cohorts (Lek et al., 2016; 1000 Genomes Consortium et al., 2015; Exome Variant Server). The G1726D variant is a non-conservative amino acid substitution, which is likely to impact secondary protein structure as these residues differ in polarity, charge, size and/or other properties. In addition, this substitution occurs at a position that is conserved across species, and in silico analysis predicts this variant is probably damaging to the protein structure/function. Missense variants in nearby residues (C1721G, C1721Y, S1722C, A1728P, A1728T, A1728V, N1730I) and at the same residue (G1726V) have been reported in the Human Gene Mutation Database in association with FBN1-related disorders including geleophysic dysplasia (Stenson et al., 2014), supporting the functional importance of this region of the protein. The G1726D variant is a strong candidate for a pathogenic variant, however the possibility it may be a rare benign variant cannot be excluded.

NM_000138.5(FBN1):c.5177G>A (p.Gly1726Asp)

Gene: FBN1 (fibrillin 1; minus strand). Cytogenetic location: 15q21.1.
Variant type: single nucleotide variant.
Coding change: c.5177G>A on transcript NM_000138.5 (MANE Select); coding-DNA position 5177, G replaced by A.
Protein change: p.Gly1726Asp; replaces glycine 1726 with aspartic acid.
Molecular consequence: missense variant.
Genome position (GRCh38, 1-based): chr15:48,463,129, C>T on the plus strand (G>A on the coding strand, the complement: FBN1 is on the minus strand). VCF-style: chr15-48463129-C-T. GRCh37 (hg19) VCF-style: chr15-48755326-C-T.
Other names: short protein forms G1726D.
Identifiers: ClinVar variation 424594 (VCV000424594.4), dbSNP rs1064797059, ClinGen allele CA16619954.
Genomic context (GRCh38, chr15:48,463,129, plus strand): 5'-AACTAAAACTCACCTGTACTTGGGATGGGACACTGTTCACAGGGCTTGTTCCACGCCCGG[C>T]CAATGTTGTAGGAACAGCAGCACATCTTCTTGGTCATGTTGAATAACAATTCTCCATCAC-3'
Protein context (NP_000129.3, residues 1716-1736): KKMCCCSYNI[Gly1726Asp]RAWNKPCEQC